The following is an entry in ClinVar:

NM_000093.5(COL5A1):c.-1C>A

Gene: COL5A1 (collagen type V alpha 1 chain; plus strand). Cytogenetic location: 9q34.3.
Variant type: single nucleotide variant.
Coding change: c.-1C>A on transcript NM_000093.5 (MANE Select); 1 bases upstream of the start codon, C replaced by A.
Molecular consequence: 5 prime UTR variant.
Genome position (GRCh38, 1-based): chr9:134,642,187, C>A. VCF-style: chr9-134642187-C-A. GRCh37 (hg19) VCF-style: chr9-137534033-C-A.
Other names: c.-1C>A (NM_001278074.1).
Identifiers: ClinVar variation 2448282 (VCV002448282.2), dbSNP rs2132454719, ClinGen allele CA2580079998.

ClinVar aggregate classification (germline): Uncertain significance (1 of 4 stars; one submission).

Conditions:
Familial thoracic aortic aneurysm and aortic dissection (TAAD). Also called: Thoracic aortic aneurysms and dissections. Identifiers: Orphanet 91387, MedGen C4707243, MONDO:0019625.

Submission:

Ambry Genetics
Classification: Uncertain significance for Familial thoracic aortic aneurysm and aortic dissection. Last evaluated: 2022-12-14. Review status: criteria provided, single submitter. Criteria: Ambry Variant Classification Scheme 2023. Collection method: clinical testing. Allele origin: germline.
Comment: The c.-1C>A variant is located in the 5' untranslated region (5&rsquo; UTR) of the COL5A1 gene. This variant results from a C to A substitution 1 bases upstream from the first translated codon. This nucleotide position is highly conserved in available vertebrate species. Since supporting evidence is limited at this time, the clinical significance of this alteration remains unclear.